The following is an entry in ClinVar:

NM_001267550.2(TTN):c.65580T>C (p.Pro21860=)

Genes: TTN (titin; minus strand), TTN-AS1 (TTN antisense RNA 1; plus strand). Cytogenetic location: 2q31.2.
Variant type: single nucleotide variant.
Coding change: c.65580T>C on transcript NM_001267550.2 (MANE Select); coding-DNA position 65580, T replaced by C.
Protein change: p.Pro21860=; no amino-acid change (proline 21860 retained).
Molecular consequence: synonymous variant.
Genome position (GRCh38, 1-based): chr2:178,583,223, A>G on the plus strand (T>C on the coding strand, the complement: TTN is on the minus strand). VCF-style: chr2-178583223-A-G. GRCh37 (hg19) VCF-style: chr2-179447950-A-G.
Other names: c.60657T>C, p.Pro20219= (NM_001256850.1); c.38385T>C, p.Pro12795= (NM_003319.4); c.57876T>C, p.Pro19292= (NM_133378.4); c.38760T>C, p.Pro12920= (NM_133432.3); c.38961T>C, p.Pro12987= (NM_133437.4).
Identifiers: ClinVar variation 1641147 (VCV001641147.32), dbSNP rs922548535, ClinGen allele CA60960850.

ClinVar aggregate classification (germline): Likely benign. Review status: criteria provided, multiple submitters, no conflicts (2 of 4 stars). 2 submissions from 2 submitters: Likely benign (2). Last evaluated 2023-02-01.

Conditions:
Dilated cardiomyopathy 1G (CMD1G). Identifiers: Orphanet 154, MedGen C1858763, MONDO:0011400, OMIM 604145.
Autosomal recessive limb-girdle muscular dystrophy type 2J (LGMDR10). Also called: Limb-girdle muscular dystrophy, type 2J; MUSCULAR DYSTROPHY, LIMB-GIRDLE, AUTOSOMAL RECESSIVE 10. Identifiers: Orphanet 140922, MedGen C1837342, MONDO:0012127, OMIM 608807.

Submissions (2):

CeGaT Center for Human Genetics Tuebingen
Classification: Likely benign. Last evaluated: 2023-02-01. Review status: criteria provided, single submitter. Criteria: CeGaT Center For Human Genetics Tuebingen Variant Classification Criteria Version 2. Collection method: clinical testing. Allele origin: germline. Affected: yes. Observed: 1 variant allele.
Comment: TTN: PM2:Supporting, BP4, BP7

Labcorp Genetics (formerly Invitae), Labcorp
Classification: Likely benign for Dilated cardiomyopathy 1G; Autosomal recessive limb-girdle muscular dystrophy type 2J. Last evaluated: 2022-08-09. Review status: criteria provided, single submitter. Criteria: Invitae Variant Classification Sherloc (09022015). Collection method: clinical testing. Allele origin: germline.